The following is an entry in ClinVar:

ClinVar aggregate classification (germline): Conflicting classifications of pathogenicity. Review status: criteria provided, conflicting classifications (1 of 4 stars). 6 submissions from 6 submitters: Likely pathogenic (3); Uncertain significance (3). Last evaluated 2026-02-01.

Conditions:
Hereditary leiomyomatosis and renal cell cancer. Also called: Familial leiomyomatosis; MULTIPLE CUTANEOUS AND UTERINE LEIOMYOMATA 1, WITH OR WITHOUT RENAL CELL CARCINOMA; LEIOMYOMA, MULTIPLE CUTANEOUS; Reed syndrome; Multiple cutaneous and uterine leiomyomatosis; Cutaneous leiomyomata with uterine leiomyomata. Identifiers: Orphanet 523, MedGen C1708350, MONDO:0007888, OMIM 150800, HP:0007437. Disease mechanism: loss of function.
Fumarase deficiency (FMRD). Also called: Fumarate Hydratase Deficiency; Fumaric aciduria. Identifiers: Orphanet 24, MedGen C0342770, MONDO:0011730, OMIM 606812.
Hereditary cancer-predisposing syndrome. Also called: Hereditary neoplastic syndrome; Neoplastic Syndromes, Hereditary; Hereditary Cancer Syndrome; Tumor predisposition. Identifiers: Orphanet 140162, MedGen C0027672, MeSH D009386, MONDO:0015356.

Allele frequency attached by ClinVar (database versions not stated): TOPMed 0.00001.
gnomAD v4.1: 7 of 1,614,182 alleles (0.00043%); highest among the groups gnomAD compares: Middle Eastern, 0.049%; no homozygotes.

Submissions (7):

CeGaT Center for Human Genetics Tuebingen
Classification: Likely pathogenic. Last evaluated: 2026-02-01. Review status: criteria provided, single submitter. Criteria: CeGaT Center For Human Genetics Tuebingen Variant Classification Criteria Version 2. Collection method: clinical testing. Allele origin: germline. Affected: yes. Observed: 1 variant allele.
Comment: FH: PM2, PM5, PP3, PP4

Labcorp Genetics (formerly Invitae), Labcorp
Classification: Uncertain significance. Last evaluated: 2026-01-27. Review status: criteria provided, single submitter. Criteria: Invitae Variant Classification Sherloc (09022015). Collection method: clinical testing. Allele origin: germline.
Comment: This sequence change replaces aspartic acid, which is acidic and polar, with valine, which is neutral and non-polar, at codon 65 of the FH protein (p.Asp65Val). This variant is present in population databases (no rsID available, gnomAD 0.003%). This variant has not been reported in the literature in individuals affected with FH-related conditions. ClinVar contains an entry for this variant (Variation ID: 485563). Invitae Evidence Modeling of protein sequence and biophysical properties (such as structural, functional, and spatial information, amino acid conservation, physicochemical variation, residue mobility, and thermodynamic stability) indicates that this missense variant is expected to disrupt FH protein function with a positive predictive value of 95%. In summary, the available evidence is currently insufficient to determine the role of this variant in disease. Therefore, it has been classified as a Variant of Uncertain Significance.

Institute of Human Genetics, University of Leipzig Medical Center
Classification: Likely pathogenic for Fumarase deficiency. Last evaluated: 2026-01-05. Review status: criteria provided, single submitter. Criteria: ACMG Guidelines, 2015. Collection method: clinical testing. Allele origin: maternal. Inheritance: Autosomal recessive inheritance. Affected: yes.
Comment: Criteria applied: PM2,PM5,PP3,PP4; Identified as compound heterozygous with NM_000143.4:c.302G>C

Ambry Genetics
Classification: Likely pathogenic for Hereditary cancer-predisposing syndrome. Last evaluated: 2025-10-02. Review status: criteria provided, single submitter. Criteria: Ambry Variant Classification Scheme 2023. Collection method: clinical testing. Allele origin: germline.
Comment: The p.D65V variant (also known as c.194A>T), located in coding exon 2 of the FH gene, results from an A to T substitution at nucleotide position 194. The aspartic acid at codon 65 is replaced by valine, an amino acid with highly dissimilar properties. This variant is considered to be rare based on population cohorts in the Genome Aggregation Database (gnomAD). This amino acid position is highly conserved in available vertebrate species. In addition, this alteration is predicted to be deleterious by in silico analysis. Based on the supporting evidence, this alteration is interpreted as a likely pathogenic in association with pheochromocytoma and paraganglioma (PPGL), however its association with other FH-related tumors, such as leiomyomas and renal cell cancer, is uncertain.

Baylor Genetics
Classification: Uncertain significance for Fumarase deficiency. Last evaluated: 2023-12-29. Review status: criteria provided, single submitter. Criteria: ACMG Guidelines, 2015. Collection method: clinical testing. Allele origin: unknown.

Fulgent Genetics
Classification: Uncertain significance for Hereditary leiomyomatosis and renal cell cancer; Fumarase deficiency. Last evaluated: 2021-07-21. Review status: criteria provided, single submitter. Criteria: ACMG Guidelines, 2015. Collection method: clinical testing. Allele origin: unknown.

Blake Wilde Laboratory, Roswell Park Comprehensive Cancer Center
No classification provided (evidence only). Condition: Hereditary leiomyomatosis and renal cell cancer. Review status: no classification provided. Collection method: in vitro. Allele origin: not applicable. Functional consequence: functionally normal. Not counted in ClinVar's aggregate classification.

NM_000143.4(FH):c.194A>T (p.Asp65Val)

Gene: FH (fumarate hydratase; minus strand). Cytogenetic location: 1q43.
Variant type: single nucleotide variant.
Coding change: c.194A>T on transcript NM_000143.4 (MANE Select); coding-DNA position 194, A replaced by T.
Protein change: p.Asp65Val; replaces aspartic acid 65 with valine.
Molecular consequence: missense variant.
Genome position (GRCh38, 1-based): chr1:241,517,255, T>A on the plus strand (A>T on the coding strand, the complement: FH is on the minus strand). VCF-style: chr1-241517255-T-A. GRCh37 (hg19) VCF-style: chr1-241680555-T-A.
Other names: short protein forms D65V.
Identifiers: ClinVar variation 485563 (VCV000485563.22), dbSNP rs145116688, ClinGen allele CA40335952.